The following is an entry in ClinVar:

NM_001370658.1(BTD):c.1536G>A (p.Thr512=)

Gene: BTD (biotinidase; plus strand). Cytogenetic location: 3p25.1.
Variant type: single nucleotide variant.
Coding change: c.1536G>A on transcript NM_001370658.1 (MANE Select); coding-DNA position 1536, G replaced by A.
Protein change: p.Thr512=; no amino-acid change (threonine 512 retained).
Molecular consequence: synonymous variant. On other transcripts: intron variant (8).
Genome position (GRCh38, 1-based): chr3:15,645,452, G>A. VCF-style: chr3-15645452-G-A. GRCh37 (hg19) VCF-style: chr3-15686959-G-A.
Other names: c.1596G>A, p.Thr532= (NM_000060.4); c.1536G>A, p.Thr512= (NM_001281723.4, NM_001281724.3, NM_001281725.3 and 16 more transcripts); c.1015+521G>A (NM_001370752.1, NM_001407379.1); c.399+3395G>A (NM_001370753.1, NM_001407400.1, NM_001407380.1 and 3 more transcripts).
Identifiers: ClinVar variation 500288 (VCV000500288.19), dbSNP rs774052068, ClinGen allele CA2277499.

ClinVar aggregate classification (germline): Conflicting classifications of pathogenicity. Review status: criteria provided, conflicting classifications (1 of 4 stars). 5 submissions from 5 submitters: Uncertain significance (1); Likely benign (2). 2 of the submissions do not count toward it. Last evaluated 2026-01-18.

Conditions:
BTD-related disorder. Also called: BTD-related condition.
Biotinidase deficiency. Also called: BTD deficiency; Late-onset biotin-responsive multiple carboxylase deficiency; Biotin deficiency. Identifiers: Orphanet 79241, MedGen C0220754, MONDO:0009665, OMIM 253260.

Allele frequency attached by ClinVar (database versions not stated): gnomAD 0.00004 and 0.00005; gnomAD exomes 0.00004 and 0.00006; TOPMed 0.00005; ExAC 0.00006.
gnomAD v4.1: 72 of 1,611,796 alleles (0.0045%); highest among the groups gnomAD compares: Middle Eastern, 0.066%; no homozygotes.

Submissions (5):

Labcorp Genetics (formerly Invitae), Labcorp
Classification: Likely benign for Biotinidase deficiency. Last evaluated: 2026-01-18. Review status: criteria provided, single submitter. Criteria: Invitae Variant Classification Sherloc (09022015). Collection method: clinical testing. Allele origin: germline.

Blueprint Genetics
Classification: Likely benign. Last evaluated: 2023-11-17. Review status: criteria provided, single submitter. Criteria: ACMG Guidelines, 2015. Collection method: clinical testing. Allele origin: germline.

Eurofins Ntd Llc (ga)
Classification: Uncertain significance. Last evaluated: 2017-03-02. Review status: criteria provided, single submitter. Criteria: EGL Classification Definitions 2015. Collection method: clinical testing. Allele origin: germline. Observed: 1 variant allele, 1 heterozygote.

PreventionGenetics, part of Exact Sciences
Classification: Likely benign for BTD-related condition. Last evaluated: 2023-10-06. Review status: no assertion criteria provided. Collection method: clinical testing. Allele origin: germline. Not counted in ClinVar's aggregate classification.
Comment: This variant is classified as likely benign based on ACMG/AMP sequence variant interpretation guidelines (Richards et al. 2015 PMID: 25741868, with internal and published modifications).

Natera, Inc.
Classification: Uncertain significance for Biotinidase deficiency. Last evaluated: 2019-10-28. Review status: no assertion criteria provided. Collection method: clinical testing. Allele origin: germline. Not counted in ClinVar's aggregate classification.